The following is an entry in ClinVar:

NM_014889.4(PITRM1):c.1130A>G (p.Asp377Gly)

Gene: PITRM1 (pitrilysin metallopeptidase 1; minus strand). Cytogenetic location: 10p15.2.
Variant type: single nucleotide variant.
Coding change: c.1130A>G on transcript NM_014889.4 (MANE Select); coding-DNA position 1130, A replaced by G.
Protein change: p.Asp377Gly; replaces aspartic acid 377 with glycine.
Molecular consequence: missense variant. On other transcripts: 5 prime UTR variant (1), non-coding transcript variant (4).
Genome position (GRCh38, 1-based): chr10:3,158,920, T>C on the plus strand (A>G on the coding strand, the complement: PITRM1 is on the minus strand). VCF-style: chr10-3158920-T-C. GRCh37 (hg19) VCF-style: chr10-3201112-T-C.
Other names: c.1130A>G, p.Asp377Gly (NM_001242307.2, NM_001347725.2); c.1034A>G, p.Asp345Gly (NM_001242309.1); c.515A>G, p.Asp172Gly (NM_001347726.2, NM_001347727.2); c.-171A>G (NM_001347728.2); c.1106A>G, p.Asp369Gly (NM_001347729.1, NM_001347730.1); c.1130A>G (NM_001242307.1); short protein forms D345G, D369G, D172G, D377G.
Identifiers: ClinVar variation 2072063 (VCV002072063.5), dbSNP rs753364959, ClinGen allele CA5387937.

ClinVar aggregate classification (germline): Uncertain significance. Review status: criteria provided, multiple submitters, no conflicts (2 of 4 stars). 2 submissions from 2 submitters: Uncertain significance (2). Last evaluated 2025-08-28.

Allele frequency attached by ClinVar (database versions not stated): TOPMed 0.00001; ExAC 0.00014.
gnomAD v4.1: 130 of 1,612,584 alleles (0.0081%); highest among the groups gnomAD compares: South Asian, 0.13%; 1 homozygote.

Submissions (2):

Ambry Genetics
Classification: Uncertain significance. Last evaluated: 2025-08-28. Review status: criteria provided, single submitter. Criteria: Ambry Variant Classification Scheme 2023. Collection method: clinical testing. Allele origin: germline.

Labcorp Genetics (formerly Invitae), Labcorp
Classification: Uncertain significance. Last evaluated: 2022-10-17. Review status: criteria provided, single submitter. Criteria: Invitae Variant Classification Sherloc (09022015). Collection method: clinical testing. Allele origin: germline.
Comment: In summary, the available evidence is currently insufficient to determine the role of this variant in disease. Therefore, it has been classified as a Variant of Uncertain Significance. Algorithms developed to predict the effect of missense changes on protein structure and function (SIFT, PolyPhen-2, Align-GVGD) all suggest that this variant is likely to be tolerated. This variant has not been reported in the literature in individuals affected with PITRM1-related conditions. The frequency data for this variant in the population databases is considered unreliable, as metrics indicate poor data quality at this position in the gnomAD database. This sequence change replaces aspartic acid, which is acidic and polar, with glycine, which is neutral and non-polar, at codon 345 of the PITRM1 protein (p.Asp345Gly).